The following is an entry in ClinVar:

ClinVar aggregate classification (germline): Uncertain significance. Review status: criteria provided, multiple submitters, no conflicts (2 of 4 stars). 4 submissions from 4 submitters: Uncertain significance (4). Last evaluated 2026-03-31.

Conditions:
MPV17-related disorder. Also called: MPV17-related disorders; MPV17-related condition. Identifiers: MedGen CN239328.

Allele frequency attached by ClinVar (database versions not stated): gnomAD 0.00002; TOPMed 0.00002.
gnomAD v4.1: 36 of 1,613,904 alleles (0.0022%); highest among the groups gnomAD compares: Non-Finnish European, 0.0026%; no homozygotes.

Submissions (4):

PreventionGenetics, part of Exact Sciences
Classification: Uncertain significance for MPV17-related condition. Last evaluated: 2026-03-31. Review status: criteria provided, single submitter. Criteria: ACMG Guidelines, 2015. Collection method: clinical testing. Allele origin: germline.
Comment: The MPV17 c.374G>A variant is predicted to result in the amino acid substitution p.Arg125Gln. To our knowledge, this variant has not been reported in the literature. This variant is reported in 0.0035% of alleles in individuals of European (Non-Finnish) descent in gnomAD. At this time, the clinical significance of this variant is uncertain due to the absence of conclusive functional and genetic evidence.

Mayo Clinic Laboratories, Mayo Clinic
Classification: Uncertain significance. Last evaluated: 2025-04-15. Review status: criteria provided, single submitter. Criteria: ACMG Guidelines, 2015. Collection method: clinical testing. Allele origin: germline. Observed: 1 variant allele.
Comment: BP4, PM2_supporting

GeneDx
Classification: Uncertain significance. Last evaluated: 2022-05-18. Review status: criteria provided, single submitter. Criteria: GeneDx Variant Classification Process June 2021. Collection method: clinical testing. Allele origin: germline. Affected: yes.
Comment: Not observed at significant frequency in large population cohorts (gnomAD); Missense variants in this gene are often considered pathogenic (HGMD); In silico analysis supports that this missense variant does not alter protein structure/function; Has not been previously published as pathogenic or benign to our knowledge; This variant is associated with the following publications: (PMID: 24077912)

Labcorp Genetics (formerly Invitae), Labcorp
Classification: Uncertain significance. Last evaluated: 2022-03-11. Review status: criteria provided, single submitter. Criteria: Invitae Variant Classification Sherloc (09022015). Collection method: clinical testing. Allele origin: germline.
Comment: This sequence change replaces arginine, which is basic and polar, with glutamine, which is neutral and polar, at codon 125 of the MPV17 protein (p.Arg125Gln). This variant is present in population databases (rs766486395, gnomAD 0.004%). This variant has not been reported in the literature in individuals affected with MPV17-related conditions. Algorithms developed to predict the effect of missense changes on protein structure and function output the following: SIFT: "Tolerated"; PolyPhen-2: "Benign"; Align-GVGD: "Class C0". The glutamine amino acid residue is found in multiple mammalian species, which suggests that this missense change does not adversely affect protein function. Algorithms developed to predict the effect of sequence changes on RNA splicing suggest that this variant may disrupt the consensus splice site. In summary, the available evidence is currently insufficient to determine the role of this variant in disease. Therefore, it has been classified as a Variant of Uncertain Significance.

NM_002437.5(MPV17):c.374G>A (p.Arg125Gln)

Gene: MPV17 (mitochondrial inner membrane protein MPV17; minus strand). Cytogenetic location: 2p23.3.
Variant type: single nucleotide variant.
Coding change: c.374G>A on transcript NM_002437.5 (MANE Select); coding-DNA position 374, G replaced by A.
Protein change: p.Arg125Gln; replaces arginine 125 with glutamine.
Molecular consequence: missense variant.
Genome position (GRCh38, 1-based): chr2:27,312,495, C>T on the plus strand (G>A on the coding strand, the complement: MPV17 is on the minus strand). VCF-style: chr2-27312495-C-T. GRCh37 (hg19) VCF-style: chr2-27535362-C-T.
Other names: p.Arg125Gln; short protein forms R125Q.
Identifiers: ClinVar variation 1800625 (VCV001800625.5), dbSNP rs766486395, ClinGen allele CA1575583.